The following is an entry in ClinVar:

ClinVar aggregate classification (germline): Uncertain significance. Review status: criteria provided, multiple submitters, no conflicts (2 of 4 stars). 2 submissions from 2 submitters: Uncertain significance (2). Last evaluated 2024-12-24.

Conditions:
RYR1-related disorder. Also called: RYR1-related disorders; RYR1-related condition. Identifiers: MedGen CN239331.
Inborn genetic diseases. Identifiers: MedGen C0950123, MeSH D030342.

Allele frequency attached by ClinVar (database versions not stated): TOPMed below 0.00001; gnomAD exomes 0.00001.
gnomAD v4.1: 12 of 1,419,548 alleles (0.00085%); highest among the groups gnomAD compares: Non-Finnish European, 0.0011%; no homozygotes.

Submissions (2):

Labcorp Genetics (formerly Invitae), Labcorp
Classification: Uncertain significance for RYR1-related disorder. Last evaluated: 2024-12-24. Review status: criteria provided, single submitter. Criteria: Invitae Variant Classification Sherloc (09022015). Collection method: clinical testing. Allele origin: germline.
Comment: This sequence change replaces proline, which is neutral and non-polar, with arginine, which is basic and polar, at codon 4472 of the RYR1 protein (p.Pro4472Arg). This variant is not present in population databases (gnomAD no frequency). This variant has not been reported in the literature in individuals affected with RYR1-related conditions. ClinVar contains an entry for this variant (Variation ID: 957025). Invitae Evidence Modeling of protein sequence and biophysical properties (such as structural, functional, and spatial information, amino acid conservation, physicochemical variation, residue mobility, and thermodynamic stability) indicates that this missense variant is not expected to disrupt RYR1 protein function with a negative predictive value of 80%. In summary, the available evidence is currently insufficient to determine the role of this variant in disease. Therefore, it has been classified as a Variant of Uncertain Significance.

Ambry Genetics
Classification: Uncertain significance for Inborn genetic diseases. Last evaluated: 2024-09-09. Review status: criteria provided, single submitter. Criteria: Ambry Variant Classification Scheme 2023. Collection method: clinical testing. Allele origin: germline.

NM_000540.3(RYR1):c.13415C>G (p.Pro4472Arg)

Gene: RYR1 (ryanodine receptor 1; plus strand). Cytogenetic location: 19q13.2.
Variant type: single nucleotide variant.
Coding change: c.13415C>G on transcript NM_000540.3 (MANE Select); coding-DNA position 13415, C replaced by G.
Protein change: p.Pro4472Arg; replaces proline 4472 with arginine.
Molecular consequence: missense variant.
Genome position (GRCh38, 1-based): chr19:38,565,749, C>G. VCF-style: chr19-38565749-C-G. GRCh37 (hg19) VCF-style: chr19-39056389-C-G.
Other names: c.13400C>G, p.Pro4467Arg (NM_001042723.2); short protein forms P4467R, P4472R.
Identifiers: ClinVar variation 957025 (VCV000957025.10), dbSNP rs1973389353, ClinGen allele CA405675775.